The following is an entry in ClinVar:

ClinVar aggregate classification (germline): Likely benign. Review status: criteria provided, multiple submitters, no conflicts (2 of 4 stars). 2 submissions from 2 submitters: Likely benign (2). Last evaluated 2026-07-29.

Conditions:
TRIM37-related disorder. Also called: TRIM37-related condition.

Allele frequency attached by ClinVar (database versions not stated): TOPMed below 0.00001; gnomAD 0.00001; ExAC 0.00002.
gnomAD v4.1: 14 of 1,613,470 alleles (0.00087%); highest among the groups gnomAD compares: Admixed American, 0.0033%; no homozygotes.

Submissions (2):

PreventionGenetics, part of Exact Sciences
Classification: Likely benign for TRIM37-related condition. Last evaluated: 2026-07-29. Review status: criteria provided, single submitter. Criteria: ACMG Guidelines, 2015. Collection method: clinical testing. Allele origin: germline.
Comment: This variant is classified as likely benign based on ACMG/AMP sequence variant interpretation guidelines (Richards et al. 2015 PMID: 25741868, with internal and published modifications).

Labcorp Genetics (formerly Invitae), Labcorp
Classification: Likely benign. Last evaluated: 2023-11-29. Review status: criteria provided, single submitter. Criteria: Invitae Variant Classification Sherloc (09022015). Collection method: clinical testing. Allele origin: germline.

NM_015294.6(TRIM37):c.861-5G>A

Gene: TRIM37 (tripartite motif containing 37; minus strand). Cytogenetic location: 17q22.
Variant type: single nucleotide variant.
Coding change: c.861-5G>A on transcript NM_015294.6 (MANE Select); 5 bases into the intron before coding-DNA position 861, G replaced by A.
Molecular consequence: intron variant.
Genome position (GRCh38, 1-based): chr17:59,062,653, C>T on the plus strand (G>A on the coding strand, the complement: TRIM37 is on the minus strand). VCF-style: chr17-59062653-C-T. GRCh37 (hg19) VCF-style: chr17-57140014-C-T.
Other names: c.861-5G>A (NM_015294.4, NM_001320989.3, NM_001005207.5 and 2 more transcripts); c.399-5G>A (NM_001353085.2); c.759-5G>A (NM_001320987.3, NM_001353082.2); c.810-5G>A (NM_001353086.2); c.126-5G>A (NM_001353083.2); c.495-5G>A (NM_001320990.3).
Identifiers: ClinVar variation 3017751 (VCV003017751.4), dbSNP rs781141614, ClinGen allele CA8678475.